The following is an entry in ClinVar:

NM_000551.4(VHL):c.340+756G>T

Genes: VHL (von Hippel-Lindau tumor suppressor; plus strand), LOC107303340 (3p25 von Hippel-Lindau tumor suppressor, E3 ubiquitin protein ligase Alu-mediated recombination region; plus strand). Cytogenetic location: 3p25.3.
Variant type: single nucleotide variant.
Coding change: c.340+756G>T on transcript NM_000551.4 (MANE Select); 756 bases into the intron after coding-DNA position 340, G replaced by T.
Molecular consequence: intron variant. On other transcripts: missense variant (1).
Genome position (GRCh38, 1-based): chr3:10,142,943, G>T. VCF-style: chr3-10142943-G-T. GRCh37 (hg19) VCF-style: chr3-10184627-G-T.
Other names: c.521G>T, p.Cys174Phe (NM_001354723.2); c.340+756G>T (NM_198156.3); short protein forms C174F.
Identifiers: ClinVar variation 1392508 (VCV001392508.8), dbSNP rs1696163184, ClinGen allele CA2529546627.

ClinVar aggregate classification (germline): Uncertain significance (1 of 4 stars; one submission).

Conditions:
Chuvash polycythemia. Also called: POLYCYTHEMIA, VHL-DEPENDENT. Identifiers: Orphanet 238557, MedGen C1837915, MONDO:0009892, OMIM 263400.
Von Hippel-Lindau syndrome (VHLS). Also called: VHL syndrome; von Hippel–Lindau syndrome; Von Hippel-Lindau. Identifiers: Orphanet 892, MedGen C0019562, MONDO:0008667, OMIM 193300. Disease mechanism: loss of function.

Submission:

Labcorp Genetics (formerly Invitae), Labcorp
Classification: Uncertain significance for Von Hippel-Lindau syndrome; Chuvash polycythemia. Last evaluated: 2024-04-29. Review status: criteria provided, single submitter. Criteria: Invitae Variant Classification Sherloc (09022015). Collection method: clinical testing. Allele origin: germline.
Comment: This sequence change falls in intron 1 of the VHL gene. It is not expected to change the encoded amino acid sequence of the VHL protein. However, this sequence change falls within a cryptic exon in the VHL gene, known as exon E1’, which is naturally expressed at low levels in several human tissues (PMID: 29891534). This variant is not present in population databases (gnomAD no frequency). This variant has not been reported in the literature in individuals affected with VHL-related conditions. ClinVar contains an entry for this variant (Variation ID: 1392508). Algorithms developed to predict the effect of sequence changes on RNA splicing suggest that this variant is not likely to affect RNA splicing. In summary, the available evidence is currently insufficient to determine the role of this variant in disease. Therefore, it has been classified as a Variant of Uncertain Significance.

Literature cited by the submitters: PubMed 29891534.